The following is an entry in ClinVar:

ClinVar aggregate classification (germline): Uncertain significance. Review status: criteria provided, multiple submitters, no conflicts (2 of 4 stars). 3 submissions from 3 submitters: Uncertain significance (3). Last evaluated 2025-10-28.

Conditions:
Zellweger spectrum disorders (ZS). Also called: Zellweger Spectrum Disorder (ZSD); Zellweger syndrome; Zellweger Spectrum Disorder; Zellweger Spectrum. Identifiers: Orphanet 912, MedGen C0043459, MONDO:0019609.
Peroxisome biogenesis disorder. Identifiers: Orphanet 79189, MedGen C1832200, MONDO:0019234. Disease mechanism: loss of function.

Allele frequency attached by ClinVar (database versions not stated): gnomAD exomes below 0.00001; gnomAD 0.00001; TOPMed 0.00002.

Submissions (3):

Myriad Genetics, Inc.
Classification: Uncertain significance for Peroxisome biogenesis disorder. Last evaluated: 2025-10-28. Review status: criteria provided, single submitter. Criteria: Myriad Autosomal Dominant, Autosomal Recessive and X-Linked Classification Criteria (2023). Collection method: clinical testing. Allele origin: unknown.
Comment: NM_000466.2(PEX1):c.2226G>C(Q742H) is a missense variant classified as a variant of uncertain significance in the context of peroxisome biogenesis disorder type 1. Q742H has not been observed in cases with relevant disease. Relevant functional assessments of this variant are not available in the literature. Q742H has been observed in referenced population frequency databases. In summary, there is insufficient evidence to classify NM_000466.2(PEX1):c.2226G>C(Q742H) as pathogenic or benign. Please note: this variant was assessed in the context of healthy population screening.

Revvity Omics, Revvity
Classification: Uncertain significance. Last evaluated: 2022-04-15. Review status: criteria provided, single submitter. Criteria: ACMG Guidelines, 2015. Collection method: clinical testing. Allele origin: germline.

Labcorp Genetics (formerly Invitae), Labcorp
Classification: Uncertain significance for Zellweger spectrum disorders. Last evaluated: 2022-04-09. Review status: criteria provided, single submitter. Criteria: Invitae Variant Classification Sherloc (09022015). Collection method: clinical testing. Allele origin: germline.
Comment: In summary, the available evidence is currently insufficient to determine the role of this variant in disease. Therefore, it has been classified as a Variant of Uncertain Significance. Variants that disrupt the consensus splice site are a relatively common cause of aberrant splicing (PMID: 17576681, 9536098). Algorithms developed to predict the effect of sequence changes on RNA splicing suggest that this variant may disrupt the consensus splice site. This sequence change replaces glutamine, which is neutral and polar, with histidine, which is basic and polar, at codon 742 of the PEX1 protein (p.Gln742His). This variant also falls at the last nucleotide of exon 13, which is part of the consensus splice site for this exon. This variant is present in population databases (rs763753721, gnomAD 0.007%). This variant has not been reported in the literature in individuals affected with PEX1-related conditions. Algorithms developed to predict the effect of missense changes on protein structure and function (SIFT, PolyPhen-2, Align-GVGD) all suggest that this variant is likely to be tolerated.

Literature cited by the submitters: PubMed 17576681 (cited by Labcorp Genetics (formerly Invitae), Labcorp); PubMed 9536098 (cited by Labcorp Genetics (formerly Invitae), Labcorp).

NM_000466.3(PEX1):c.2226G>C (p.Gln742His)

Gene: PEX1 (peroxisomal biogenesis factor 1; minus strand). Cytogenetic location: 7q21.2.
Variant type: single nucleotide variant.
Coding change: c.2226G>C on transcript NM_000466.3 (MANE Select); coding-DNA position 2226, G replaced by C.
Protein change: p.Gln742His; replaces glutamine 742 with histidine.
Molecular consequence: missense variant.
Genome position (GRCh38, 1-based): chr7:92,503,041, C>G on the plus strand (G>C on the coding strand, the complement: PEX1 is on the minus strand). VCF-style: chr7-92503041-C-G. GRCh37 (hg19) VCF-style: chr7-92132355-C-G.
Other names: c.2055G>C, p.Gln685His (NM_001282677.2); c.1602G>C, p.Gln534His (NM_001282678.2); short protein forms Q534H, Q742H, Q685H.
Identifiers: ClinVar variation 1935735 (VCV001935735.9), dbSNP rs763753721, ClinGen allele CA4341194.